The following is an entry in ClinVar:

NC_000005.10:g.112707407C>T

Gene: APC (APC regulator of Wnt signaling pathway; plus strand). Cytogenetic location: 5q22.2.
Variant type: single nucleotide variant.
Genome position: GRCh38 VCF-style: chr5-112707407-C-T. GRCh37 (hg19) VCF-style: chr5-112043104-C-T.
Identifiers: ClinVar variation 2160695 (VCV002160695.5), dbSNP rs960491839, ClinGen allele CA124924623.

ClinVar aggregate classification (germline): Uncertain significance (1 of 4 stars; one submission).

Conditions:
Familial adenomatous polyposis 1 (FAP1). Also called: POLYPOSIS, ADENOMATOUS INTESTINAL; FAMILIAL ADENOMATOUS POLYPOSIS 1, ATTENUATED. Identifiers: MedGen C2713442, MONDO:0021056, OMIM 175100. Disease mechanism: loss of function.

Allele frequency attached by ClinVar (database versions not stated): TOPMed below 0.00001; gnomAD 0.00002.

Submission:

Labcorp Genetics (formerly Invitae), Labcorp
Classification: Uncertain significance for Familial adenomatous polyposis 1. Last evaluated: 2023-07-19. Review status: criteria provided, single submitter. Criteria: Invitae Variant Classification Sherloc (09022015). Collection method: clinical testing. Allele origin: germline.
Comment: In summary, the available evidence is currently insufficient to determine the role of this variant in disease. Therefore, it has been classified as a Variant of Uncertain Significance. Experimental studies and prediction algorithms are not available or were not evaluated, and the functional significance of this variant is currently unknown. This variant has not been reported in the literature in individuals affected with APC-related conditions. This variant is present in population databases (no rsID available, gnomAD 0.01%). This variant occurs in a non-coding region of the APC gene. It does not change the encoded amino acid sequence of the APC protein.